The following is an entry in ClinVar:

ClinVar aggregate classification (germline): Uncertain significance (1 of 4 stars; one submission).

Conditions:
Myofibrillar myopathy 5. Also called: Filaminopathy (type); FILAMINOPATHY, AUTOSOMAL DOMINANT. Identifiers: Orphanet 171445, MedGen C1836050, MONDO:0012289, OMIM 609524.
Distal myopathy with posterior leg and anterior hand involvement. Also called: WILLIAMS DISTAL MYOPATHY. Identifiers: Orphanet 63273, MedGen C3279722, MONDO:0013550, OMIM 614065.
Hypertrophic cardiomyopathy 26. Also called: Cardiomyopathy, familial hypertrophic, 26. Identifiers: Orphanet 75249, MedGen C4310749, MONDO:0014883, OMIM 617047.

Submission:

Labcorp Genetics (formerly Invitae), Labcorp
Classification: Uncertain significance for Distal myopathy with posterior leg and anterior hand involvement; Myofibrillar myopathy 5; Hypertrophic cardiomyopathy 26. Last evaluated: 2021-10-06. Review status: criteria provided, single submitter. Criteria: Invitae Variant Classification Sherloc (09022015). Collection method: clinical testing. Allele origin: germline.
Comment: In summary, the available evidence is currently insufficient to determine the role of this variant in disease. Therefore, it has been classified as a Variant of Uncertain Significance. Algorithms developed to predict the effect of missense changes on protein structure and function (SIFT, PolyPhen-2, Align-GVGD) all suggest that this variant is likely to be disruptive. This variant has not been reported in the literature in individuals affected with FLNC-related conditions. This variant is not present in population databases (ExAC no frequency). This sequence change replaces aspartic acid with glycine at codon 2460 of the FLNC protein (p.Asp2460Gly). The aspartic acid residue is highly conserved and there is a moderate physicochemical difference between aspartic acid and glycine.

NM_001458.5(FLNC):c.7379A>G (p.Asp2460Gly)

Genes: FLNC-AS1 (FLNC antisense RNA 1; minus strand), FLNC (filamin C; plus strand). Cytogenetic location: 7q32.1.
Variant type: single nucleotide variant.
Coding change: c.7379A>G on transcript NM_001458.5 (MANE Select); coding-DNA position 7379, A replaced by G.
Protein change: p.Asp2460Gly; replaces aspartic acid 2460 with glycine.
Molecular consequence: missense variant.
Genome position (GRCh38, 1-based): chr7:128,856,645, A>G. VCF-style: chr7-128856645-A-G. GRCh37 (hg19) VCF-style: chr7-128496699-A-G.
Other names: c.7280A>G, p.Asp2427Gly (NM_001127487.2); short protein forms D2427G, D2460G.
Identifiers: ClinVar variation 1384880 (VCV001384880.6), dbSNP rs2128940164, ClinGen allele CA369217072.